The following is an entry in ClinVar:

NM_000173.7(GP1BA):c.236dup (p.Asp79fs)

Gene: GP1BA (glycoprotein Ib platelet subunit alpha; plus strand). Cytogenetic location: 17p13.2.
Variant type: Duplication.
Coding change: c.236dup on transcript NM_000173.7 (MANE Select); coding-DNA position 236, one base duplicated (A; older notation c.236dupA).
Protein change: p.Asp79fs; shifts the reading frame from aspartic acid 79.
Molecular consequence: frameshift variant.
Genome position (GRCh38, 1-based): chr17:4,932,840, A duplicated. VCF-style (leftmost placement, unchanged base first): chr17-4932839-G-GA. GRCh37 (hg19) VCF-style: chr17-4836134-G-GA.
Other names: NM_000173.7:c.236dup; short protein forms D79fs.
Identifiers: ClinVar variation 4087787 (VCV004087787.1).

ClinVar aggregate classification (germline): Likely pathogenic (3 of 4 stars; one submission).

Conditions:
Bernard Soulier syndrome (BSS). Also called: GLYCOPROTEIN Ib, PLATELET, DEFICIENCY OF; PLATELET GLYCOPROTEIN Ib DEFICIENCY; VON WILLEBRAND FACTOR RECEPTOR DEFICIENCY; Giant platelet syndrome; Hemorrhagiparous thrombocytic dystrophy; Giant platelet disease. Identifiers: Orphanet 274, MedGen C0005129, MeSH D001606, MONDO:0009276, OMIM 231200.

Submission:

ClinGen Platelet Disorders Variant Curation Expert Panel, ClinGen
Classification: Likely pathogenic for Bernard Soulier syndrome. Last evaluated: 2025-04-15. Review status: reviewed by expert panel. Criteria: ClinGen Platelet ACMG Specifications GP1BA V1.0.0. Collection method: curation. Allele origin: germline. Inheritance: Autosomal recessive inheritance.
Comment: The c.236dup (p.Asp79GlufsTer2) variant in GP1BA is a frameshift variant that may cause a premature stop codon that is predicted to escape nonsense mediated decay, however the truncation includes the functionally important transmembrane domain (removes amino acids 532-553) in a gene where loss-of-function is an established disease mechanism (PVS1_Strong). At least one patient (Patient BSS6.01 in PMID:23995613) with this variant had aggregation absent for ristocetin and present for all other agonists and less than 10% expression of GPIba measured by flow cytometry, which is highly specific for Bernard-Soulier syndrome. Additionally, the patient had excessive mucocutaneous bleeding and macrothrombocytopenia which are consistent with Bernard-Soulier syndrome (PP4). This variant is absent from gnomAD v4.1.0 (PM2_Supporting). In summary, this variant meets the criteria to be classified as Likely Pathogenic for autosomal recessive Bernard-Soulier syndrome based on the ACMG/AMP criteria applied, as specified by the ClinGen PD VCEP: PVS1_Strong, PP4, PM3_Supporting and PM2_Supporting (VCEP specifications version 1).